The following is an entry in ClinVar:

ClinVar aggregate classification (germline): Uncertain significance. Review status: criteria provided, multiple submitters, no conflicts (2 of 4 stars). 2 submissions from 2 submitters: Uncertain significance (2). Last evaluated 2025-10-22.

Conditions:
Inborn genetic diseases. Identifiers: MedGen C0950123, MeSH D030342.

Submissions (2):

Ambry Genetics
Classification: Uncertain significance for Inborn genetic diseases. Last evaluated: 2025-10-22. Review status: criteria provided, single submitter. Criteria: Ambry Variant Classification Scheme 2023. Collection method: clinical testing. Allele origin: germline.

Labcorp Genetics (formerly Invitae), Labcorp
Classification: Uncertain significance. Last evaluated: 2022-04-16. Review status: criteria provided, single submitter. Criteria: Invitae Variant Classification Sherloc (09022015). Collection method: clinical testing. Allele origin: germline.
Comment: This sequence change replaces glutamic acid, which is acidic and polar, with glycine, which is neutral and non-polar, at codon 653 of the PCDH15 protein (p.Glu653Gly). This variant is not present in population databases (gnomAD no frequency). This variant has not been reported in the literature in individuals affected with PCDH15-related conditions. Algorithms developed to predict the effect of missense changes on protein structure and function are either unavailable or do not agree on the potential impact of this missense change (SIFT: "Deleterious"; PolyPhen-2: "Possibly Damaging"; Align-GVGD: "Class C0"). In summary, the available evidence is currently insufficient to determine the role of this variant in disease. Therefore, it has been classified as a Variant of Uncertain Significance.

NM_001384140.1(PCDH15):c.1958A>G (p.Glu653Gly)

Gene: PCDH15 (protocadherin related 15; minus strand). Cytogenetic location: 10q21.1.
Variant type: single nucleotide variant.
Coding change: c.1958A>G on transcript NM_001384140.1 (MANE Select); coding-DNA position 1958, A replaced by G.
Protein change: p.Glu653Gly; replaces glutamic acid 653 with glycine.
Molecular consequence: missense variant. On other transcripts: intron variant (1).
Genome position (GRCh38, 1-based): chr10:54,090,023, T>C on the plus strand (A>G on the coding strand, the complement: PCDH15 is on the minus strand). VCF-style: chr10-54090023-T-C. GRCh37 (hg19) VCF-style: chr10-55849783-T-C.
Other names: c.1973A>G, p.Glu658Gly (NM_001142763.2, NM_001142771.2); c.1958A>G, p.Glu653Gly (NM_001142764.2, NM_001142766.2, NM_001142770.3 and 5 more transcripts); c.1847A>G, p.Glu616Gly (NM_001142767.2); c.1892A>G, p.Glu631Gly (NM_001142768.2, NM_001142773.2, NM_001354404.2); c.1994A>G, p.Glu665Gly (NM_001142769.4); c.1979A>G, p.Glu660Gly (NM_001354411.2); c.1785-10599A>G (NM_001142765.2); short protein forms E616G, E660G, E631G, E665G, E658G, E653G.
Identifiers: ClinVar variation 2173842 (VCV002173842.2), dbSNP rs2540011611, ClinGen allele CA376523024.
Genomic context (GRCh38, chr10:54,090,023, plus strand): 5'-AGGAAATCATTTTTAACTTACGTTTCTGAAAGATTAAAAACTCTCTGAGGATCTCCATTC[T>C]CAATGGCATATGTTATTGAGTCTCCCTCTCGATCAGTTGCCTTCAGAGAGAAAACATAAT-3'
Protein context (NP_001371069.1, residues 643-663): REGDSITYAI[Glu653Gly]NGDPQRVFNL